The following is an entry in ClinVar:

NM_004336.5(BUB1):c.10C>A (p.Pro4Thr)

Gene: BUB1 (BUB1 mitotic checkpoint serine/threonine kinase; minus strand). Cytogenetic location: 2q13.
Variant type: single nucleotide variant.
Coding change: c.10C>A on transcript NM_004336.5 (MANE Select); coding-DNA position 10, C replaced by A.
Protein change: p.Pro4Thr; replaces proline 4 with threonine.
Molecular consequence: missense variant.
Genome position (GRCh38, 1-based): chr2:110,677,986, G>T on the plus strand (C>A on the coding strand, the complement: BUB1 is on the minus strand). VCF-style: chr2-110677986-G-T. GRCh37 (hg19) VCF-style: chr2-111435563-G-T.
Other names: c.10C>A, p.Pro4Thr (NM_001278616.2, NM_001278617.2); short protein forms P4T.
Identifiers: ClinVar variation 1791957 (VCV001791957.3), dbSNP rs755038049, ClinGen allele CA1828496.
Genomic context (GRCh38, chr2:110,677,986, plus strand): 5'-CCCCAGCCCCCTGGGCTTCCCCACCCCACCAGACGGACACTTACTGAAGGACATTTTCCG[G>T]GGTGTCCATGGCCAGAGGACGCTGGCCGGCAGCGGCCAAACCTGAACCGCAAACTAGAAG-3'
Protein context (NP_004327.1, residues 1-14): MDT[Pro4Thr]ENVLQMLEAH

ClinVar aggregate classification (germline): Uncertain significance (1 of 4 stars; one submission).

Allele frequency attached by ClinVar (database versions not stated): gnomAD exomes below 0.00001; ExAC 0.00001.
gnomAD v4.1: 2 of 1,608,942 alleles (0.00012%); highest among the groups gnomAD compares: Admixed American, 0.0017%; no homozygotes.

Submission:

Ambry Genetics
Classification: Uncertain significance. Last evaluated: 2024-06-14. Review status: criteria provided, single submitter. Criteria: Ambry Variant Classification Scheme 2023. Collection method: clinical testing. Allele origin: germline.
Comment: The p.P4T variant (also known as c.10C>A), located in coding exon 1 of the BUB1 gene, results from a C to A substitution at nucleotide position 10. The proline at codon 4 is replaced by threonine, an amino acid with highly similar properties. This amino acid position is conserved. In addition, this alteration is predicted to be tolerated by in silico analysis. Since supporting evidence is limited at this time, the clinical significance of this alteration remains unclear.